The following is an entry in ClinVar:

NM_000238.4(KCNH2):c.1944C>T (p.Gly648=)

Gene: KCNH2 (potassium voltage-gated channel subfamily H member 2; minus strand). Cytogenetic location: 7q36.1.
Variant type: single nucleotide variant.
Coding change: c.1944C>T on transcript NM_000238.4 (MANE Select); coding-DNA position 1944, C replaced by T.
Protein change: p.Gly648=; no amino-acid change (glycine 648 retained).
Molecular consequence: synonymous variant. On other transcripts: non-coding transcript variant (2).
Genome position (GRCh38, 1-based): chr7:150,951,449, G>A on the plus strand (C>T on the coding strand, the complement: KCNH2 is on the minus strand). VCF-style: chr7-150951449-G-A. GRCh37 (hg19) VCF-style: chr7-150648537-G-A.
Other names: c.924C>T, p.Gly308= (NM_001204798.2, NM_172057.3); c.1656C>T, p.Gly552= (NM_001406753.1, NM_001406756.1); c.1767C>T, p.Gly589= (NM_001406755.1); c.1644C>T, p.Gly548= (NM_001406757.1); c.1944C>T, p.Gly648= (NM_172056.3); c.1944C>T (NM_000238.2).
Identifiers: ClinVar variation 1355150 (VCV001355150.10), dbSNP rs2116958655, ClinGen allele CA458871443.

ClinVar aggregate classification (germline): Uncertain significance. Review status: criteria provided, multiple submitters, no conflicts (2 of 4 stars). 2 submissions from 2 submitters: Uncertain significance (2). Last evaluated 2026-03-05.

Conditions:
Long QT syndrome (LQTS). Identifiers: MedGen C0023976, MeSH D008133, MONDO:0002442. Disease mechanism: loss of function. Inheritance: Various modes of inheritance.

Submissions (2):

GeneDx
Classification: Uncertain significance. Last evaluated: 2026-03-05. Review status: criteria provided, single submitter. Criteria: GeneDx Variant Classification Process June 2021. Collection method: clinical testing. Allele origin: germline.
Comment: Not observed at significant frequency in large population cohorts (gnomAD); Has not been previously published as pathogenic or benign to our knowledge; In silico analysis suggests this variant may impact gene splicing. In the absence of RNA/functional studies, the actual effect of this sequence change is unknown.

Labcorp Genetics (formerly Invitae), Labcorp
Classification: Uncertain significance for Long QT syndrome. Last evaluated: 2022-03-19. Review status: criteria provided, single submitter. Criteria: Invitae Variant Classification Sherloc (09022015). Collection method: clinical testing. Allele origin: germline.
Comment: This variant is not present in population databases (gnomAD no frequency). This variant has not been reported in the literature in individuals affected with KCNH2-related conditions. Algorithms developed to predict the effect of sequence changes on RNA splicing suggest that this variant may create or strengthen a splice site. In summary, the available evidence is currently insufficient to determine the role of this variant in disease. Therefore, it has been classified as a Variant of Uncertain Significance. This sequence change affects codon 648 of the KCNH2 mRNA. It is a 'silent' change, meaning that it does not change the encoded amino acid sequence of the KCNH2 protein. It affects a nucleotide within the consensus splice site.